The following is an entry in ClinVar:

NM_174978.3(C14orf39):c.133A>G (p.Lys45Glu)

Gene: C14orf39 (chromosome 14 open reading frame 39; minus strand). Cytogenetic location: 14q23.1.
Variant type: single nucleotide variant.
Coding change: c.133A>G on transcript NM_174978.3 (MANE Select); coding-DNA position 133, A replaced by G.
Protein change: p.Lys45Glu; replaces lysine 45 with glutamic acid.
Molecular consequence: missense variant.
Genome position (GRCh38, 1-based): chr14:60,483,791, T>C on the plus strand (A>G on the coding strand, the complement: C14orf39 is on the minus strand). VCF-style: chr14-60483791-T-C. GRCh37 (hg19) VCF-style: chr14-60950509-T-C.
Other names: short protein forms K45E.
Identifiers: ClinVar variation 1879279 (VCV001879279.29), dbSNP rs148637760, ClinGen allele CA7212460.
Genomic context (GRCh38, chr14:60,483,791, plus strand): 5'-AATGATCAATTTCCTCATCTGTTGCATTTATAGTTTCGTGTATCCTACAAATAGTTACTT[T>C]GTTTTCCTTAATATCTTCACAGCATTCTACAAAGAGAAAATGTTTATTTTCTTAATGTAG-3'
Protein context (NP_777638.3, residues 35-55): NKCCEDIKEN[Lys45Glu]VTICRIHETI

ClinVar aggregate classification (germline): Benign (1 of 4 stars; one submission).

Allele frequency attached by ClinVar (database versions not stated): 1000 Genomes Project 30x 0.00250; 1000 Genomes Project 0.00260; TOPMed 0.00286; gnomAD 0.00303; ESP Exome Variant Server 0.00378; gnomAD exomes 0.00463; ExAC 0.00478.
gnomAD v4.1: 6,945 of 1,531,402 alleles (0.45%); highest among the groups gnomAD compares: South Asian, 1.1%; 36 homozygotes.

Submission:

CeGaT Center for Human Genetics Tuebingen
Classification: Benign. Last evaluated: 2026-01-01. Review status: criteria provided, single submitter. Criteria: CeGaT Center For Human Genetics Tuebingen Variant Classification Criteria Version 2. Collection method: clinical testing. Allele origin: germline. Affected: yes. Observed: 3 variant alleles.
Comment: C14orf39: BP4, BS1, BS2